The following is an entry in ClinVar:

NM_000444.6(PHEX):c.1325T>A (p.Val442Asp)

Gene: PHEX (phosphate regulating endopeptidase X-linked; plus strand). Cytogenetic location: Xp22.11.
Variant type: single nucleotide variant.
Coding change: c.1325T>A on transcript NM_000444.6 (MANE Select); coding-DNA position 1325, T replaced by A.
Protein change: p.Val442Asp; replaces valine 442 with aspartic acid.
Molecular consequence: missense variant.
Genome position (GRCh38, 1-based): chrX:22,133,545, T>A. VCF-style: chrX-22133545-T-A. GRCh37 (hg19) VCF-style: chrX-22151662-T-A.
Other names: c.1325T>A, p.Val442Asp (NM_001282754.2); short protein forms V442D.
Identifiers: ClinVar variation 2840012 (VCV002840012.3), dbSNP rs2518548066, ClinGen allele CA412574577.

ClinVar aggregate classification (germline): Uncertain significance (1 of 4 stars; one submission).

Submission:

Labcorp Genetics (formerly Invitae), Labcorp
Classification: Uncertain significance. Last evaluated: 2023-06-03. Review status: criteria provided, single submitter. Criteria: Invitae Variant Classification Sherloc (09022015). Collection method: clinical testing. Allele origin: germline.
Comment: Advanced modeling of protein sequence and biophysical properties (such as structural, functional, and spatial information, amino acid conservation, physicochemical variation, residue mobility, and thermodynamic stability) performed at Invitae indicates that this missense variant is expected to disrupt PHEX protein function. This variant has not been reported in the literature in individuals affected with PHEX-related conditions. This variant is not present in population databases (gnomAD no frequency). This sequence change replaces valine, which is neutral and non-polar, with aspartic acid, which is acidic and polar, at codon 442 of the PHEX protein (p.Val442Asp). In summary, the available evidence is currently insufficient to determine the role of this variant in disease. Therefore, it has been classified as a Variant of Uncertain Significance.